The following is an entry in ClinVar:

ClinVar aggregate classification (germline): Likely pathogenic (1 of 4 stars; one submission).

Conditions:
Congenital anomalies of kidney and urinary tract 1. Also called: Congenital anomalies of kidney and urinary tract 1, susceptibility to; Renal hypodysplasia, nonsyndromic, 1. Identifiers: MedGen C1835826, MONDO:0012561, OMIM 610805.

Submission:

Department of Pediatrics, Seoul National University Bundang Hospital
Classification: Likely pathogenic for Congenital anomalies of kidney and urinary tract 1. Last evaluated: 2024-12-01. Review status: criteria provided, single submitter. Criteria: ACMG Guidelines, 2015. Collection method: clinical testing. Allele origin: paternal. Inheritance: Autosomal dominant inheritance. Affected: yes. Observed: 1 variant allele.
Comment: The p.Gly351Val variant is a novel missense variant and is regarded as likely pathogenic (PM1, PM2, PP1, PP3, according to ACMG criteria).

NM_000278.5(PAX2):c.983G>T (p.Gly328Val)

Gene: PAX2 (paired box 2; plus strand). Cytogenetic location: 10q24.31.
Variant type: single nucleotide variant.
Coding change: c.983G>T on transcript NM_000278.5 (MANE Select); coding-DNA position 983, G replaced by T.
Protein change: p.Gly328Val; replaces glycine 328 with valine.
Molecular consequence: missense variant.
Genome position (GRCh38, 1-based): chr10:100,824,711, G>T. VCF-style: chr10-100824711-G-T. GRCh37 (hg19) VCF-style: chr10-102584468-G-T.
Other names: c.1076G>T, p.Gly359Val (NM_001304569.2); c.1052G>T, p.Gly351Val (NM_003987.5, NM_003990.5); c.983G>T, p.Gly328Val (NM_003988.5, NM_003989.5); short protein forms G328V, G351V, G359V.
Identifiers: ClinVar variation 3602564 (VCV003602564.2).
Genomic context (GRCh38, chr10:100,824,711, plus strand): 5'-GTGACATGGCGAGCACCACTCTGCCTGGTTACCCCCCTCACGTGCCCCCCACTGGCCAGG[G>T]AAGCTACCCCACCTCCACCCTGGCAGGAATGGTGCCTGGTAGGTGACAATGCTGCAGCTG-3'
Protein context (NP_000269.3, residues 318-338): YPPHVPPTGQ[Gly328Val]SYPTSTLAGM